The following is an entry in ClinVar:

NM_198334.3(GANAB):c.1529C>G (p.Pro510Arg)

Gene: GANAB (glucosidase II alpha subunit; minus strand). Cytogenetic location: 11q12.3.
Variant type: single nucleotide variant.
Coding change: c.1529C>G on transcript NM_198334.3 (MANE Select); coding-DNA position 1529, C replaced by G.
Protein change: p.Pro510Arg; replaces proline 510 with arginine.
Molecular consequence: missense variant.
Genome position (GRCh38, 1-based): chr11:62,630,261, G>C on the plus strand (C>G on the coding strand, the complement: GANAB is on the minus strand). VCF-style: chr11-62630261-G-C. GRCh37 (hg19) VCF-style: chr11-62397733-G-C.
Other names: p.Pro532Arg; c.1253C>G, p.Pro418Arg (NM_001278192.2); c.1187C>G, p.Pro396Arg (NM_001278193.2); c.1238C>G, p.Pro413Arg (NM_001278194.2, NM_001329222.2, NM_001329223.2); c.806C>G, p.Pro269Arg (NM_001329224.2, NM_001329225.2); c.1595C>G, p.Pro532Arg (NM_198335.4); short protein forms P269R, P396R, P413R, P418R, P510R, P532R.
Identifiers: ClinVar variation 3380023 (VCV003380023.1).

ClinVar aggregate classification (germline): Uncertain significance (1 of 4 stars; one submission).

Submission:

Mayo Clinic Laboratories, Mayo Clinic
Classification: Uncertain significance. Last evaluated: 2024-01-16. Review status: criteria provided, single submitter. Criteria: ACMG Guidelines, 2015. Collection method: clinical testing. Allele origin: germline. Observed: 1 variant allele.
Comment: PP2, PP3, PM2